The following is an entry in ClinVar:

NM_007107.5(SSR3):c.512G>A (p.Ser171Asn)

Gene: SSR3 (signal sequence receptor subunit 3; minus strand). Cytogenetic location: 3q25.31.
Variant type: single nucleotide variant.
Coding change: c.512G>A on transcript NM_007107.5 (MANE Select); coding-DNA position 512, G replaced by A.
Protein change: p.Ser171Asn; replaces serine 171 with asparagine.
Molecular consequence: missense variant.
Genome position (GRCh38, 1-based): chr3:156,543,249, C>T on the plus strand (G>A on the coding strand, the complement: SSR3 is on the minus strand). VCF-style: chr3-156543249-C-T. GRCh37 (hg19) VCF-style: chr3-156261038-C-T.
Other names: c.551G>A, p.Ser184Asn (NM_001308197.2); c.356G>A, p.Ser119Asn (NM_001308204.2, NM_001308205.2); short protein forms S119N, S184N, S171N.
Identifiers: ClinVar variation 3686778 (VCV003686778.2).
Genomic context (GRCh38, chr3:156,543,249, plus strand): 5'-GAAGCTGACATGGTCTATTTGGAGCCAGTAGACAGGAGGGCGATGAGTCCTGATGAAGCA[C>T]TTATGGACAATATGTAGTTCCTGTAAGAAATTTAATGTTATGGAAAAATGAGTAACTCCA-3'
Protein context (NP_009038.1, residues 161-181): NPTVNYILSI[Ser171Asn]ASSGLIALLS

ClinVar aggregate classification (germline): Uncertain significance (1 of 4 stars; one submission).

gnomAD v4.1: 10 of 1,613,764 alleles (0.00062%); highest among the groups gnomAD compares: Non-Finnish European, 0.00076%; no homozygotes.

Submission:

Labcorp Genetics (formerly Invitae), Labcorp
Classification: Uncertain significance. Last evaluated: 2024-12-07. Review status: criteria provided, single submitter. Criteria: Invitae Variant Classification Sherloc (09022015). Collection method: clinical testing. Allele origin: germline.
Comment: This sequence change replaces serine, which is neutral and polar, with asparagine, which is neutral and polar, at codon 184 of the SSR3 protein (p.Ser184Asn). This variant is present in population databases (rs754178019, gnomAD 0.003%). This variant has not been reported in the literature in individuals affected with SSR3-related conditions. Experimental studies and prediction algorithms are not available or were not evaluated, and the functional significance of this variant is currently unknown. In summary, the available evidence is currently insufficient to determine the role of this variant in disease. Therefore, it has been classified as a Variant of Uncertain Significance.